The following is an entry in ClinVar:

NM_006019.4(TCIRG1):c.631-2A>T

Gene: TCIRG1 (T cell immune regulator 1, ATPase H+ transporting V0 subunit a3; plus strand). Cytogenetic location: 11q13.2.
Variant type: single nucleotide variant.
Coding change: c.631-2A>T on transcript NM_006019.4 (MANE Select); the canonical splice acceptor site of the intron before coding-DNA position 631, A replaced by T.
Molecular consequence: splice acceptor variant. On other transcripts: intron variant (1).
Genome position (GRCh38, 1-based): chr11:68,043,569, A>T. VCF-style: chr11-68043569-A-T. GRCh37 (hg19) VCF-style: chr11-67811036-A-T.
Other names: c.631-2A>T (NM_001440552.1, NM_001440557.1, NM_001440559.1 and 4 more transcripts); c.503+538A>T (NM_001440569.1); c.418-2A>T (NM_001440561.1, NM_001440566.1, NM_001440562.1 and 1 more transcripts); c.589-2A>T (NM_001440555.1, NM_001440556.1, NM_001440563.1); c.-280-2A>T (NM_001351059.2); c.331-2A>T (NM_001440565.1); c.376-2A>T (NM_001440564.1, NM_001440568.1); c.-18-2A>T (NM_006053.4).
Identifiers: ClinVar variation 4815487 (VCV004815487.1).

ClinVar aggregate classification (germline): Likely pathogenic (1 of 4 stars; one submission).

Conditions:
Autosomal recessive osteopetrosis 1. Also called: ALBERS-SCHONBERG DISEASE, AUTOSOMAL RECESSIVE; TCIRG1-Related Autosomal Recessive Osteopetrosis; TCIRG1-Related Osteopetrosis. Identifiers: Orphanet 667, MedGen C1850127, MONDO:0009815, OMIM 259700.

Submission:

Natera, Inc.
Classification: Likely pathogenic for Infantile malignant osteopetrosis. Last evaluated: 2025-12-09. Review status: criteria provided, single submitter. Criteria: Natera Variant Classification Schema (03/2026). Collection method: clinical testing. Allele origin: germline.
Comment: The c.631-2A>T variant in TCIRG1 is a canonical splice acceptor site variant predicted to affect pre-mRNA splicing, which may result in an abnormal transcript and altered protein product. This variant is expected to result in nonsense mediated decay, truncation, or a dysfunctional protein product. This variant is rare in the general population with a frequency below the threshold expected for the associated phenotype(s). Given the available evidence, this variant is classified as Likely Pathogenic.